The following is an entry in ClinVar:

ClinVar aggregate classification (germline): Uncertain significance (1 of 4 stars; one submission).

gnomAD v4.1: 7 of 1,611,890 alleles (0.00043%); highest among the groups gnomAD compares: Non-Finnish European, 0.00059%; no homozygotes.

Submission:

CeGaT Center for Human Genetics Tuebingen
Classification: Uncertain significance. Last evaluated: 2024-12-01. Review status: criteria provided, single submitter. Criteria: CeGaT Center For Human Genetics Tuebingen Variant Classification Criteria Version 2. Collection method: clinical testing. Allele origin: germline. Affected: yes. Observed: 1 variant allele.
Comment: HERC2: PM2, BP4

NM_004667.6(HERC2):c.6352C>T (p.Leu2118Phe)

Gene: HERC2 (HECT and RLD domain containing E3 ubiquitin protein ligase 2; minus strand). Cytogenetic location: 15q13.1.
Variant type: single nucleotide variant.
Coding change: c.6352C>T on transcript NM_004667.6 (MANE Select); coding-DNA position 6352, C replaced by T.
Protein change: p.Leu2118Phe; replaces leucine 2118 with phenylalanine.
Molecular consequence: missense variant.
Genome position (GRCh38, 1-based): chr15:28,214,661, G>A on the plus strand (C>T on the coding strand, the complement: HERC2 is on the minus strand). VCF-style: chr15-28214661-G-A. GRCh37 (hg19) VCF-style: chr15-28459807-G-A.
Other names: short protein forms L2118F.
Identifiers: ClinVar variation 3771831 (VCV003771831.13).
Genomic context (GRCh38, chr15:28,214,661, plus strand): 5'-GACGGCACTGCGCCGCTCTTCACCAGGGCACAGGGAAGGTAGACGGCCACCCACCTCTGA[G>A]TAATGGCACGTCAGAGGAGCAGGTAGTGAGCAAGCTTCCCAAGAAGTCAAACAGCTTCTC-3'
Protein context (NP_004658.3, residues 2108-2128): LTTCSSDVPL[Leu2118Phe]RESTLRRRRV